The following is an entry in ClinVar:

ClinVar aggregate classification (germline): Pathogenic (1 of 4 stars; one submission).

Conditions:
Neurofibromatosis, type 2 (SWNV). Also called: BILATERAL ACOUSTIC NEUROFIBROMATOSIS; SCHWANNOMATOSIS, VESTIBULAR; NF2-Related Schwannomatosis. Identifiers: Orphanet 637, MedGen C0027832, MONDO:0007039, OMIM 101000. Disease mechanism: loss of function.

Submission:

Labcorp Genetics (formerly Invitae), Labcorp
Classification: Pathogenic for Neurofibromatosis, type 2. Last evaluated: 2019-06-08. Review status: criteria provided, single submitter. Criteria: Invitae Variant Classification Sherloc (09022015). Collection method: clinical testing. Allele origin: germline.
Comment: This variant is a gross deletion of the genomic region encompassing exon 1 of the NF2 gene, which includes the initiator codon. The 5' end of this event is unknown as it extends beyond the assayed region for this gene and therefore may encompass additional genes. The 3' boundary is likely confined to intron 1 of the NF2 gene. This is expected to result in an absent or disrupted protein product. Similar gross deletions involving the initiator codon have been observed in individuals affected with neurofibromatosis type 2 (PMID: 12807969, 15645494, Invitae). Loss-of-function variants in NF2 are known to be pathogenic (PMID: 9643284, 16983642). For these reasons, this variant has been classified as Pathogenic.

Literature cited by the submitters: PubMed 15645494; PubMed 12807969.

NC_000022.11:g.(?_29603989)_(29604122_?)del

Gene: NF2 (NF2, moesin-ezrin-radixin like (MERLIN) tumor suppressor; plus strand). Cytogenetic location: 22q12.2.
Variant type: Deletion.
Identifiers: ClinVar variation 661747 (VCV000661747.2).